The following is an entry in ClinVar:

NM_032861.4(SERAC1):c.254G>A (p.Gly85Glu)

Gene: SERAC1 (serine active site containing 1; minus strand). Cytogenetic location: 6q25.3.
Variant type: single nucleotide variant.
Coding change: c.254G>A on transcript NM_032861.4 (MANE Select); coding-DNA position 254, G replaced by A.
Protein change: p.Gly85Glu; replaces glycine 85 with glutamic acid.
Molecular consequence: missense variant. On other transcripts: non-coding transcript variant (1).
Genome position (GRCh38, 1-based): chr6:158,150,464, C>T on the plus strand (G>A on the coding strand, the complement: SERAC1 is on the minus strand). VCF-style: chr6-158150464-C-T. GRCh37 (hg19) VCF-style: chr6-158571496-C-T.
Other names: short protein forms G85E.
Identifiers: ClinVar variation 1444738 (VCV001444738.9), dbSNP rs376468988, ClinGen allele CA150949527.

ClinVar aggregate classification (germline): Uncertain significance. Review status: criteria provided, multiple submitters, no conflicts (2 of 4 stars). 2 submissions from 2 submitters: Uncertain significance (2). Last evaluated 2025-10-01.

Conditions:
3-methylglutaconic aciduria with deafness, encephalopathy, and Leigh-like syndrome (MEGDEL). Also called: SERAC1 Deficiency; MEGDEL syndrome; 3-METHYLGLUTACONIC ACIDURIA, TYPE VI. Identifiers: Orphanet 352328, MedGen C4040739, MONDO:0013875, OMIM 614739.

gnomAD v4.1: 1 of 1,572,982 alleles (0.000064%); no homozygotes.

Submissions (2):

Excellence Center for Genomics and Precision Medicine, King Chulalongkorn Memorial Hospital
Classification: Uncertain significance for 3-methylglutaconic aciduria with deafness, encephalopathy, and Leigh-like syndrome. Last evaluated: 2025-10-01. Review status: criteria provided, single submitter. Criteria: ACMG Guidelines, 2015. Collection method: clinical testing. Allele origin: germline. Affected: yes.
Comment: PM2_supporting, BP4

Labcorp Genetics (formerly Invitae), Labcorp
Classification: Uncertain significance for 3-methylglutaconic aciduria with deafness, encephalopathy, and Leigh-like syndrome. Last evaluated: 2023-09-12. Review status: criteria provided, single submitter. Criteria: Invitae Variant Classification Sherloc (09022015). Collection method: clinical testing. Allele origin: germline.
Comment: In summary, the available evidence is currently insufficient to determine the role of this variant in disease. Therefore, it has been classified as a Variant of Uncertain Significance. Advanced modeling of protein sequence and biophysical properties (such as structural, functional, and spatial information, amino acid conservation, physicochemical variation, residue mobility, and thermodynamic stability) performed at Invitae indicates that this missense variant is not expected to disrupt SERAC1 protein function. ClinVar contains an entry for this variant (Variation ID: 1444738). This variant has not been reported in the literature in individuals affected with SERAC1-related conditions. This variant is not present in population databases (gnomAD no frequency). This sequence change replaces glycine, which is neutral and non-polar, with glutamic acid, which is acidic and polar, at codon 85 of the SERAC1 protein (p.Gly85Glu).